The following is an entry in ClinVar:

NM_000038.6(APC):c.6331A>G (p.Ile2111Val)

Gene: APC (APC regulator of Wnt signaling pathway; plus strand). Cytogenetic location: 5q22.2.
Variant type: single nucleotide variant.
Coding change: c.6331A>G on transcript NM_000038.6 (MANE Select); coding-DNA position 6331, A replaced by G.
Protein change: p.Ile2111Val; replaces isoleucine 2111 with valine.
Molecular consequence: missense variant.
Genome position (GRCh38, 1-based): chr5:112,841,925, A>G. VCF-style: chr5-112841925-A-G. GRCh37 (hg19) VCF-style: chr5-112177622-A-G.
Other names: c.6331A>G, p.Ile2111Val (NM_001127510.3, NM_001354895.2); c.6277A>G, p.Ile2093Val (NM_001127511.3); c.6385A>G, p.Ile2129Val (NM_001354896.2); c.6361A>G, p.Ile2121Val (NM_001354897.2); c.6256A>G, p.Ile2086Val (NM_001354898.2); c.6247A>G, p.Ile2083Val (NM_001354899.2); c.6208A>G, p.Ile2070Val (NM_001354900.2); c.6154A>G, p.Ile2052Val (NM_001354901.2); and 5 more; short protein forms I2010V, I2070V, I2086V, I2093V, I1828V, I1951V, I2020V, I2052V.
Identifiers: ClinVar variation 659039 (VCV000659039.18), dbSNP rs1580669772, ClinGen allele CA16035196.

ClinVar aggregate classification (germline): Uncertain significance. Review status: criteria provided, multiple submitters, no conflicts (2 of 4 stars). 3 submissions from 3 submitters: Uncertain significance (3). Last evaluated 2025-01-16.

Conditions:
Familial adenomatous polyposis 1 (FAP1). Also called: POLYPOSIS, ADENOMATOUS INTESTINAL; FAMILIAL ADENOMATOUS POLYPOSIS 1, ATTENUATED. Identifiers: MedGen C2713442, MONDO:0021056, OMIM 175100. Disease mechanism: loss of function.
Hereditary cancer-predisposing syndrome. Also called: Hereditary neoplastic syndrome; Neoplastic Syndromes, Hereditary; Hereditary Cancer Syndrome; Tumor predisposition. Identifiers: Orphanet 140162, MedGen C0027672, MeSH D009386, MONDO:0015356.

Allele frequency attached by ClinVar (database versions not stated): gnomAD exomes below 0.00001.
gnomAD v4.1: 2 of 1,614,002 alleles (0.00012%); highest among the groups gnomAD compares: Non-Finnish European, 0.000085%; no homozygotes.

Submissions (3):

Labcorp Genetics (formerly Invitae), Labcorp
Classification: Uncertain significance for Familial adenomatous polyposis 1. Last evaluated: 2025-01-16. Review status: criteria provided, single submitter. Criteria: Invitae Variant Classification Sherloc (09022015). Collection method: clinical testing. Allele origin: germline.
Comment: This sequence change replaces isoleucine, which is neutral and non-polar, with valine, which is neutral and non-polar, at codon 2111 of the APC protein (p.Ile2111Val). This variant is not present in population databases (gnomAD no frequency). This variant has not been reported in the literature in individuals affected with APC-related conditions. ClinVar contains an entry for this variant (Variation ID: 659039). Invitae Evidence Modeling of protein sequence and biophysical properties (such as structural, functional, and spatial information, amino acid conservation, physicochemical variation, residue mobility, and thermodynamic stability) indicates that this missense variant is not expected to disrupt APC protein function with a negative predictive value of 95%. In summary, the available evidence is currently insufficient to determine the role of this variant in disease. Therefore, it has been classified as a Variant of Uncertain Significance.

Color Diagnostics, LLC DBA Color Health
Classification: Uncertain significance for Hereditary cancer-predisposing syndrome. Last evaluated: 2024-03-06. Review status: criteria provided, single submitter. Criteria: ACMG Guidelines, 2015. Collection method: clinical testing. Allele origin: germline.
Comment: This missense variant replaces isoleucine with valine at codon 2111 of the APC protein. Computational prediction suggests that this variant may not impact protein structure and function (internally defined REVEL score threshold <= 0.5, PMID: 27666373). To our knowledge, functional studies have not been reported for this variant. This variant has not been reported in individuals affected with hereditary cancer in the literature. This variant has not been identified in the general population by the Genome Aggregation Database (gnomAD). The available evidence is insufficient to determine the role of this variant in disease conclusively. Therefore, this variant is classified as a Variant of Uncertain Significance.

Ambry Genetics
Classification: Uncertain significance for Hereditary cancer-predisposing syndrome. Last evaluated: 2023-05-31. Review status: criteria provided, single submitter. Criteria: Ambry Variant Classification Scheme 2023. Collection method: clinical testing. Allele origin: germline.
Comment: The p.I2111V variant (also known as c.6331A>G), located in coding exon 15 of the APC gene, results from an A to G substitution at nucleotide position 6331. The isoleucine at codon 2111 is replaced by valine, an amino acid with highly similar properties. This amino acid position is highly conserved in available vertebrate species. In addition, in silico predictors for this gene do not accurately predict pathogenicity. Since supporting evidence is limited at this time, the clinical significance of this alteration remains unclear.